The following is an entry in ClinVar:

NM_194318.4(B3GLCT):c.1010G>A (p.Arg337His)

Gene: B3GLCT (beta 3-glucosyltransferase; plus strand). Cytogenetic location: 13q12.3.
Variant type: single nucleotide variant.
Coding change: c.1010G>A on transcript NM_194318.4 (MANE Select); coding-DNA position 1010, G replaced by A.
Protein change: p.Arg337His; replaces arginine 337 with histidine.
Molecular consequence: missense variant.
Genome position (GRCh38, 1-based): chr13:31,286,765, G>A. VCF-style: chr13-31286765-G-A. GRCh37 (hg19) VCF-style: chr13-31860902-G-A.
Other names: short protein forms R337H.
Identifiers: ClinVar variation 385610 (VCV000385610.16), dbSNP rs199794968, ClinGen allele CA6936785.

ClinVar aggregate classification (germline): Conflicting classifications of pathogenicity. Review status: criteria provided, conflicting classifications (1 of 4 stars). 3 submissions from 3 submitters: Uncertain significance (2); Benign (1). Last evaluated 2025-12-26.

Conditions:
Peters plus syndrome. Also called: KRAUSE-KIVLIN SYNDROME. Identifiers: Orphanet 709, MedGen C0796012, MONDO:0009856, OMIM 261540.

Allele frequency attached by ClinVar (database versions not stated): TOPMed 0.00016; gnomAD 0.00021 and 0.00022; ExAC 0.00028; gnomAD exomes 0.00031.
gnomAD v4.1: 288 of 1,613,278 alleles (0.018%); highest among the groups gnomAD compares: East Asian, 0.17%; 2 homozygotes.

Submissions (3):

Labcorp Genetics (formerly Invitae), Labcorp
Classification: Benign for Peters plus syndrome. Last evaluated: 2025-12-26. Review status: criteria provided, single submitter. Criteria: Invitae Variant Classification Sherloc (09022015). Collection method: clinical testing. Allele origin: germline.

Illumina Laboratory Services, Illumina
Classification: Uncertain significance for Peters plus syndrome. Last evaluated: 2018-01-13. Review status: criteria provided, single submitter. Criteria: ICSL Variant Classification Criteria 13 December 2019. Collection method: clinical testing. Allele origin: germline.

GeneDx
Classification: Uncertain significance. Last evaluated: 2016-04-12. Review status: criteria provided, single submitter. Criteria: GeneDx Variant Classification (06012015). Collection method: clinical testing. Allele origin: germline. Affected: yes.
Comment: The R337H variant in the B3GALTL gene has not been reported previously as a pathogenic variant, nor as a benign variant, to our knowledge. The R337H variant was not observed in approximately 6,500 individuals of European and African American ancestry in the NHLBI Exome Sequencing Project, indicating it is not a common benign variant in these populations. The R337H variant is a conservative amino acid substitution, which is not likely to impact secondary protein structure as these residues share similar properties. This substitution occurs at a position that is not conserved. In silico analysis predicts this variant likely does not alter the protein structure/function. We interpret R337H as a variant of uncertain significance.